The following is an entry in ClinVar:

NM_013447.4(ADGRE2):c.2337C>A (p.Cys779Ter)

Gene: ADGRE2 (adhesion G protein-coupled receptor E2; minus strand). Cytogenetic location: 19p13.12.
Variant type: single nucleotide variant.
Coding change: c.2337C>A on transcript NM_013447.4 (MANE Select); coding-DNA position 2337, C replaced by A.
Protein change: p.Cys779Ter; replaces cysteine 779 with a stop codon.
Molecular consequence: nonsense.
Genome position (GRCh38, 1-based): chr19:14,743,631, G>T on the plus strand (C>A on the coding strand, the complement: ADGRE2 is on the minus strand). VCF-style: chr19-14743631-G-T. GRCh37 (hg19) VCF-style: chr19-14854443-G-T.
Other names: c.2163C>A, p.Cys721Ter (NM_001271052.1); c.2190C>A, p.Cys730Ter (NM_152916.2); c.2058C>A, p.Cys686Ter (NM_152917.2); short protein forms C730*, C779*, C721*, C686*.
Identifiers: ClinVar variation 4701915 (VCV004701915.1).

ClinVar aggregate classification (germline): Uncertain significance (1 of 4 stars; one submission).

gnomAD v4.1: 4 of 1,614,050 alleles (0.00025%); highest among the groups gnomAD compares: Non-Finnish European, 0.00034%; no homozygotes.

Submission:

Labcorp Genetics (formerly Invitae), Labcorp
Classification: Uncertain significance. Last evaluated: 2025-07-30. Review status: criteria provided, single submitter. Criteria: Invitae Variant Classification Sherloc (09022015). Collection method: clinical testing. Allele origin: germline.
Comment: This sequence change creates a premature translational stop signal (p.Cys779*) in the ADGRE2 gene. It is expected to result in an absent or disrupted protein product. However, the current clinical and genetic evidence is not sufficient to establish whether loss-of-function variants in ADGRE2 cause disease. This variant is present in population databases (rs753910967, gnomAD 0.002%). This variant has not been reported in the literature in individuals affected with ADGRE2-related conditions. In summary, the available evidence is currently insufficient to determine the role of this variant in disease. Therefore, it has been classified as a Variant of Uncertain Significance.